The following is an entry in ClinVar:

NM_001013615.3(LURAP1):c.261C>T (p.Ile87=)

Genes: LURAP1 (leucine rich adaptor protein 1; plus strand), POMGNT1 (protein O-linked mannose N-acetylglucosaminyltransferase 1 (beta 1,2-); minus strand). Cytogenetic location: 1p34.1.
Variant type: single nucleotide variant.
Coding change: c.261C>T on transcript NM_001013615.3 (MANE Select); coding-DNA position 261, C replaced by T.
Protein change: p.Ile87=; no amino-acid change (isoleucine 87 retained).
Molecular consequence: synonymous variant. On other transcripts: 5 prime UTR variant (1).
Genome position (GRCh38, 1-based): chr1:46,219,761, C>T. VCF-style: chr1-46219761-C-T. GRCh37 (hg19) VCF-style: chr1-46685433-C-T.
Other names: c.-107G>A (NM_001243766.2).
Identifiers: ClinVar variation 4280787 (VCV004280787.7).

ClinVar aggregate classification (germline): Likely benign (1 of 4 stars; one submission).

gnomAD v4.1: 1,281 of 1,613,306 alleles (0.079%); highest among the groups gnomAD compares: Admixed American, 0.12%; 3 homozygotes.

Submission:

CeGaT Center for Human Genetics Tuebingen
Classification: Likely benign. Last evaluated: 2025-12-01. Review status: criteria provided, single submitter. Criteria: CeGaT Center For Human Genetics Tuebingen Variant Classification Criteria Version 2. Collection method: clinical testing. Allele origin: germline. Affected: yes. Observed: 2 variant alleles.
Comment: LURAP1: BP4, BP7